The following is an entry in ClinVar:

NM_000399.5(EGR2):c.137G>T (p.Gly46Val)

Gene: EGR2 (early growth response 2; minus strand). Cytogenetic location: 10q21.3.
Variant type: single nucleotide variant.
Coding change: c.137G>T on transcript NM_000399.5 (MANE Select); coding-DNA position 137, G replaced by T.
Protein change: p.Gly46Val; replaces glycine 46 with valine.
Molecular consequence: missense variant. On other transcripts: 5 prime UTR variant (2).
Genome position (GRCh38, 1-based): chr10:62,815,893, C>A on the plus strand (G>T on the coding strand, the complement: EGR2 is on the minus strand). VCF-style: chr10-62815893-C-A. GRCh37 (hg19) VCF-style: chr10-64575653-C-A.
Other names: p.Gly46Val; c.137G>T, p.Gly46Val (NM_001136177.3, NM_001136178.2); c.-14G>T (NM_001136179.3, NM_001321037.2); short protein forms G46V.
Identifiers: ClinVar variation 660866 (VCV000660866.12), dbSNP rs115534601, ClinGen allele CA5517335.

ClinVar aggregate classification (germline): Uncertain significance. Review status: criteria provided, multiple submitters, no conflicts (2 of 4 stars). 4 submissions from 4 submitters: Uncertain significance (4). Last evaluated 2025-08-18.

Conditions:
Charcot-Marie-Tooth disease, type I (CMT1). Also called: Charcot-Marie-Tooth disease type 1; Charcot-Marie-Tooth, Type 1. Identifiers: Orphanet 65753, MedGen C0751036, MONDO:0019011.
Inborn genetic diseases. Identifiers: MedGen C0950123, MeSH D030342.

Allele frequency attached by ClinVar (database versions not stated): gnomAD exomes 0.00001 and 0.00004; ExAC 0.00003; ESP Exome Variant Server 0.00008; gnomAD 0.00012 and 0.00013; TOPMed 0.00013; 1000 Genomes Project 30x 0.00031; 1000 Genomes Project 0.00040.
gnomAD v4.1: 40 of 1,614,114 alleles (0.0025%); highest among the groups gnomAD compares: African/African-American, 0.041%; no homozygotes.

Submissions (4):

Labcorp Genetics (formerly Invitae), Labcorp
Classification: Uncertain significance for Charcot-Marie-Tooth disease, type I. Last evaluated: 2025-08-18. Review status: criteria provided, single submitter. Criteria: Invitae Variant Classification Sherloc (09022015). Collection method: clinical testing. Allele origin: germline.
Comment: This sequence change replaces glycine, which is neutral and non-polar, with valine, which is neutral and non-polar, at codon 46 of the EGR2 protein (p.Gly46Val). This variant is present in population databases (rs115534601, gnomAD 0.03%). This variant has not been reported in the literature in individuals affected with EGR2-related conditions. ClinVar contains an entry for this variant (Variation ID: 660866). An algorithm developed to predict the effect of missense changes on protein structure and function outputs the following: PolyPhen-2: "Probably Damaging". The valine amino acid residue is found in multiple mammalian species, which suggests that this missense change does not adversely affect protein function. In summary, the available evidence is currently insufficient to determine the role of this variant in disease. Therefore, it has been classified as a Variant of Uncertain Significance.

Ambry Genetics
Classification: Uncertain significance for Inborn genetic diseases. Last evaluated: 2025-01-02. Review status: criteria provided, single submitter. Criteria: Ambry Variant Classification Scheme 2023. Collection method: clinical testing. Allele origin: germline.

Blueprint Genetics
Classification: Uncertain significance. Last evaluated: 2024-05-03. Review status: criteria provided, single submitter. Criteria: ACMG Guidelines, 2015. Collection method: clinical testing. Allele origin: germline.

Mayo Clinic Laboratories, Mayo Clinic
Classification: Uncertain significance. Last evaluated: 2022-04-15. Review status: criteria provided, single submitter. Criteria: ACMG Guidelines, 2015. Collection method: clinical testing. Allele origin: germline. Observed: 1 variant allele.
Comment: BP4